The following is an entry in ClinVar:

NM_002457.5(MUC2):c.726G>T (p.Pro242=)

Gene: MUC2 (mucin 2, oligomeric mucus/gel-forming; plus strand). Cytogenetic location: 11p15.5.
Variant type: single nucleotide variant.
Coding change: c.726G>T on transcript NM_002457.5 (MANE Select); coding-DNA position 726, G replaced by T.
Protein change: p.Pro242=; no amino-acid change (proline 242 retained).
Molecular consequence: synonymous variant.
Genome position (GRCh38, 1-based): chr11:1,078,374, G>T. VCF-style: chr11-1078374-G-T. GRCh37 (hg19) VCF-style: chr11-1078518-G-T.
Identifiers: ClinVar variation 2672429 (VCV002672429.23), dbSNP rs72652895, ClinGen allele CA5798239.
Genomic context (GRCh38, chr11:1,078,374, plus strand): 5'-CGCCGAGTGTGAGAGGCTGCTGACCGCCGAGGCCTTCGCGGACTGTCAGGACCTGGTGCC[G>T]CTGGAGCCGTATCTGCGCGCCTGCCAGCAGGACCGCTGCCGGTGCCCGGGCGGTGACACC-3'
Protein context (NP_002448.5, residues 232-252): EAFADCQDLV[Pro242=]LEPYLRACQQ

ClinVar aggregate classification (germline): Likely benign (1 of 4 stars; one submission).

Allele frequency attached by ClinVar (database versions not stated): ESP Exome Variant Server 0.00034; 1000 Genomes Project 0.00040; 1000 Genomes Project 30x 0.00094.

Submission:

CeGaT Center for Human Genetics Tuebingen
Classification: Likely benign. Last evaluated: 2023-11-01. Review status: criteria provided, single submitter. Criteria: CeGaT Center For Human Genetics Tuebingen Variant Classification Criteria Version 2. Collection method: clinical testing. Allele origin: germline. Affected: yes. Observed: 1 variant allele.
Comment: MUC2: BP4, BP7